The following is an entry in ClinVar:

ClinVar aggregate classification (germline): Pathogenic (1 of 4 stars; one submission).

Conditions:
PKD2-related disorder. Also called: PKD2-related condition.

Submission:

PreventionGenetics, part of Exact Sciences
Classification: Pathogenic for PKD2-related condition. Last evaluated: 2025-06-24. Review status: criteria provided, single submitter. Criteria: ACMG Guidelines, 2015. Collection method: clinical testing. Allele origin: germline.
Comment: The PKD2 c.966delG variant is predicted to result in a frameshift and premature protein termination (p.Gln323Asnfs*15). To our knowledge, this variant has not been reported in the literature or in a large population database (gnomAD), indicating this variant is rare. Frameshift variants in PKD2 are expected to be pathogenic. This variant is interpreted as pathogenic.

NM_000297.4(PKD2):c.966del (p.Gln323fs)

Gene: PKD2 (polycystin 2, transient receptor potential cation channel; plus strand). Cytogenetic location: 4q22.1.
Variant type: Deletion.
Coding change: c.966del on transcript NM_000297.4 (MANE Select); coding-DNA position 966, one base deleted (G; older notation c.966delG).
Protein change: p.Gln323fs; shifts the reading frame from glutamine 323.
Molecular consequence: frameshift variant. On other transcripts: non-coding transcript variant (1).
Genome position (GRCh38, 1-based): chr4:88,038,373, G deleted; the last of 2 consecutive G bases (chr4:88,038,372-88,038,373); deleting either gives the same sequence. VCF-style (leftmost placement, unchanged base first): chr4-88038371-CG-C. GRCh37 (hg19) VCF-style: chr4-88959523-CG-C.
Other names: c.966del, p.Gln323fs (NM_001440544.1); short protein forms Q323fs.
Identifiers: ClinVar variation 5001721 (VCV005001721.1).